The following is an entry in ClinVar:

NM_004461.3(FARSA):c.1134G>A (p.Ala378=)

Gene: FARSA (phenylalanyl-tRNA synthetase subunit alpha; minus strand). Cytogenetic location: 19p13.13.
Variant type: single nucleotide variant.
Coding change: c.1134G>A on transcript NM_004461.3 (MANE Select); coding-DNA position 1134, G replaced by A.
Protein change: p.Ala378=; no amino-acid change (alanine 378 retained).
Molecular consequence: synonymous variant.
Genome position (GRCh38, 1-based): chr19:12,924,700, C>T on the plus strand (G>A on the coding strand, the complement: FARSA is on the minus strand). VCF-style: chr19-12924700-C-T. GRCh37 (hg19) VCF-style: chr19-13035514-C-T.
Identifiers: ClinVar variation 2649357 (VCV002649357.24), dbSNP rs148613387, ClinGen allele CA9235138.
Genomic context (GRCh38, chr19:12,924,700, plus strand): 5'-CAGCTTGGTGAAGAACTCCCGCAGAACGCCCATGAGGTGGCCCAAGGTGAGACCATGATC[C>T]GCCACCACGCCCTCGATCTGGTGGAACTCAGCCAGGTGCGTGGCGTCCAGGGTCTCATTC-3'
Protein context (NP_004452.1, residues 368-388): AEFHQIEGVV[Ala378=]DHGLTLGHLM

ClinVar aggregate classification (germline): Likely benign (1 of 4 stars; one submission).

Allele frequency attached by ClinVar (database versions not stated): gnomAD exomes 0.00028; TOPMed 0.00028; ESP Exome Variant Server 0.00031; ExAC 0.00032; gnomAD 0.00032.
gnomAD v4.1: 444 of 1,592,676 alleles (0.028%); highest among the groups gnomAD compares: Non-Finnish European, 0.036%; 2 homozygotes.

Submission:

CeGaT Center for Human Genetics Tuebingen
Classification: Likely benign. Last evaluated: 2022-03-01. Review status: criteria provided, single submitter. Criteria: CeGaT Center For Human Genetics Tuebingen Variant Classification Criteria Version 2. Collection method: clinical testing. Allele origin: germline. Affected: yes. Observed: 1 variant allele.
Comment: FARSA: BP4, BP7